The following is an entry in ClinVar:

NM_001283009.2(RTEL1):c.2576T>C (p.Leu859Pro)

Genes: RTEL1 (regulator of telomere elongation helicase 1; plus strand), RTEL1-TNFRSF6B (RTEL1-TNFRSF6B readthrough (NMD candidate); plus strand). Cytogenetic location: 20q13.33.
Variant type: single nucleotide variant.
Coding change: c.2576T>C on transcript NM_001283009.2 (MANE Select); coding-DNA position 2576, T replaced by C.
Protein change: p.Leu859Pro; replaces leucine 859 with proline.
Molecular consequence: missense variant. On other transcripts: non-coding transcript variant (1).
Genome position (GRCh38, 1-based): chr20:63,691,761, T>C. VCF-style: chr20-63691761-T-C. GRCh37 (hg19) VCF-style: chr20-62323114-T-C.
Other names: c.1907T>C, p.Leu636Pro (NM_001283010.1); c.2576T>C, p.Leu859Pro (NM_016434.4); c.2648T>C, p.Leu883Pro (NM_032957.5); short protein forms L883P, L636P, L859P.
Identifiers: ClinVar variation 2142310 (VCV002142310.5), dbSNP rs748550617, ClinGen allele CA9965417.

ClinVar aggregate classification (germline): Uncertain significance. Review status: criteria provided, multiple submitters, no conflicts (2 of 4 stars). 2 submissions from 2 submitters: Uncertain significance (2). Last evaluated 2025-08-08.

Conditions:
Inborn genetic diseases. Identifiers: MedGen C0950123, MeSH D030342.
Pulmonary fibrosis and/or bone marrow failure, Telomere-related, 3. Also called: PULMONARY FIBROSIS AND/OR BONE MARROW FAILURE SYNDROME, TELOMERE-RELATED, 3. Identifiers: Orphanet 2032, MedGen C4225346, MONDO:0014613, OMIM 616373.
Dyskeratosis congenita, autosomal recessive 5 (DKCB5). Identifiers: MedGen C3554656, MONDO:0014076, OMIM 615190.

Allele frequency attached by ClinVar (database versions not stated): gnomAD exomes 0.00001; ExAC 0.00001.
gnomAD v4.1: 7 of 1,612,450 alleles (0.00043%); highest among the groups gnomAD compares: South Asian, 0.0022%; no homozygotes.

Submissions (2):

Labcorp Genetics (formerly Invitae), Labcorp
Classification: Uncertain significance for Dyskeratosis congenita, autosomal recessive 5; Pulmonary fibrosis and/or bone marrow failure, Telomere-related, 3. Last evaluated: 2025-08-08. Review status: criteria provided, single submitter. Criteria: Invitae Variant Classification Sherloc (09022015). Collection method: clinical testing. Allele origin: germline.
Comment: This sequence change replaces leucine, which is neutral and non-polar, with proline, which is neutral and non-polar, at codon 859 of the RTEL1 protein (p.Leu859Pro). This variant is present in population databases (rs748550617, gnomAD 0.0009%). This variant has not been reported in the literature in individuals affected with RTEL1-related conditions. ClinVar contains an entry for this variant (Variation ID: 2142310). An algorithm developed to predict the effect of missense changes on protein structure and function outputs the following: PolyPhen-2: "Benign". The proline amino acid residue is found in multiple mammalian species, which suggests that this missense change does not adversely affect protein function. In summary, the available evidence is currently insufficient to determine the role of this variant in disease. Therefore, it has been classified as a Variant of Uncertain Significance.

Ambry Genetics
Classification: Uncertain significance for Inborn genetic diseases. Last evaluated: 2024-11-30. Review status: criteria provided, single submitter. Criteria: Ambry Variant Classification Scheme 2023. Collection method: clinical testing. Allele origin: germline.
Comment: The p.L859P variant (also known as c.2576T>C), located in coding exon 27 of the RTEL1 gene, results from a T to C substitution at nucleotide position 2576. The leucine at codon 859 is replaced by proline, an amino acid with similar properties. This amino acid position is conserved. In addition, this alteration is predicted to be tolerated by in silico analysis. Based on the available evidence, the clinical significance of this variant remains unclear.